The following is an entry in ClinVar:

ClinVar aggregate classification (germline): Uncertain significance (1 of 4 stars; one submission).

Conditions:
Congenital myasthenic syndrome (CMS). Also called: Congenital Myasthenic Syndromes. Identifiers: Orphanet 590, MedGen C0751882, MeSH D020294, MONDO:0018940.
Congenital myasthenic syndrome 5. Identifiers: Orphanet 590, MedGen C1864233, MONDO:0011281, OMIM 603034.

Allele frequency attached by ClinVar (database versions not stated): gnomAD exomes 0.00001; ExAC 0.00003; TOPMed 0.00003; gnomAD 0.00005; ESP Exome Variant Server 0.00008.

Submission:

Labcorp Genetics (formerly Invitae), Labcorp
Classification: Uncertain significance for Congenital myasthenic syndrome 5. Last evaluated: 2022-08-16. Review status: criteria provided, single submitter. Criteria: Invitae Variant Classification Sherloc (09022015). Collection method: clinical testing. Allele origin: germline.
Comment: Algorithms developed to predict the effect of missense changes on protein structure and function are either unavailable or do not agree on the potential impact of this missense change (SIFT: "Deleterious"; PolyPhen-2: "Not Available"; Align-GVGD: "Class C0"). In summary, the available evidence is currently insufficient to determine the role of this variant in disease. Therefore, it has been classified as a Variant of Uncertain Significance. ClinVar contains an entry for this variant (Variation ID: 1415927). This variant has not been reported in the literature in individuals affected with COLQ-related conditions. The frequency data for this variant in the population databases is considered unreliable, as metrics indicate poor data quality at this position in the gnomAD database. This sequence change replaces proline, which is neutral and non-polar, with histidine, which is basic and polar, at codon 143 of the COLQ protein (p.Pro143His).

NM_005677.4(COLQ):c.428C>A (p.Pro143His)

Gene: COLQ (collagen like tail subunit of asymmetric acetylcholinesterase; minus strand). Cytogenetic location: 3p25.1.
Variant type: single nucleotide variant.
Coding change: c.428C>A on transcript NM_005677.4 (MANE Select); coding-DNA position 428, C replaced by A.
Protein change: p.Pro143His; replaces proline 143 with histidine.
Molecular consequence: missense variant.
Genome position (GRCh38, 1-based): chr3:15,477,163, G>T on the plus strand (C>A on the coding strand, the complement: COLQ is on the minus strand). VCF-style: chr3-15477163-G-T. GRCh37 (hg19) VCF-style: chr3-15518670-G-T.
Other names: c.398C>A, p.Pro133His (NM_080538.2); c.326C>A, p.Pro109His (NM_080539.4); c.428C>A (NM_005677.3); short protein forms P133H, P143H, P109H.
Identifiers: ClinVar variation 1415927 (VCV001415927.8), dbSNP rs373840796, ClinGen allele CA2276168.